The following is an entry in ClinVar:

NM_021098.3(CACNA1H):c.2216G>T (p.Arg739Leu)

Gene: CACNA1H (calcium voltage-gated channel subunit alpha1 H; plus strand). Cytogenetic location: 16p13.3.
Variant type: single nucleotide variant.
Coding change: c.2216G>T on transcript NM_021098.3 (MANE Select); coding-DNA position 2216, G replaced by T.
Protein change: p.Arg739Leu; replaces arginine 739 with leucine.
Molecular consequence: missense variant.
Genome position (GRCh38, 1-based): chr16:1,204,223, G>T. VCF-style: chr16-1204223-G-T. GRCh37 (hg19) VCF-style: chr16-1254223-G-T.
Other names: c.2216G>T, p.Arg739Leu (NM_001005407.2); short protein forms R739L.
Identifiers: ClinVar variation 642731 (VCV000642731.11), dbSNP rs372759314, ClinGen allele CA7800157.
Genomic context (GRCh38, chr16:1,204,223, plus strand): 5'-GTGGAGACTCAGATGGCCGTGGCGTCTATGAATTCACGCAGGACGTCCGGCACGGTGACC[G>T]CTGGGACCCCACGCGACCACCCCGTGCGACGGACACACCAGGCCCAGGCCCAGGCAGCCC-3'
Protein context (NP_066921.2, residues 729-749): EFTQDVRHGD[Arg739Leu]WDPTRPPRAT

ClinVar aggregate classification (germline): Conflicting classifications of pathogenicity. Review status: criteria provided, conflicting classifications (1 of 4 stars). 4 submissions from 4 submitters: Uncertain significance (2); Benign (1). 1 of the submissions does not count toward it. Last evaluated 2025-10-16.

Conditions:
Inborn genetic diseases. Identifiers: MedGen C0950123, MeSH D030342.
Idiopathic generalized epilepsy. Also called: Generalised epilepsy; EIG. Identifiers: MedGen C0270850, MONDO:0005579, OMIM 600669.
Hyperaldosteronism, familial, type IV (HALD4). Also called: FH IV; ALDOSTERONISM, PRIMARY, AND HYPERTENSION. Identifiers: Orphanet 642671, MedGen C4310756, MONDO:0014875, OMIM 617027.
CACNA1H-related disorder.
Epilepsy, childhood absence, susceptibility to, 6. Identifiers: Orphanet 64280, MedGen C2749872, MONDO:0012763, OMIM 611942.

Allele frequency attached by ClinVar (database versions not stated): TOPMed 0.00001.
gnomAD v4.1: 10 of 1,611,580 alleles (0.00062%); highest among the groups gnomAD compares: Admixed American, 0.005%; no homozygotes.

Submissions (4):

Labcorp Genetics (formerly Invitae), Labcorp
Classification: Benign for Idiopathic generalized epilepsy; Hyperaldosteronism, familial, type IV. Last evaluated: 2025-10-16. Review status: criteria provided, single submitter. Criteria: Invitae Variant Classification Sherloc (09022015). Collection method: clinical testing. Allele origin: germline.

Ambry Genetics
Classification: Uncertain significance for Inborn genetic diseases. Last evaluated: 2024-01-02. Review status: criteria provided, single submitter. Criteria: Ambry Variant Classification Scheme 2023. Collection method: clinical testing. Allele origin: germline.

Fulgent Genetics
Classification: Uncertain significance for Epilepsy, childhood absence, susceptibility to, 6; Hyperaldosteronism, familial, type IV. Last evaluated: 2022-04-22. Review status: criteria provided, single submitter. Criteria: ACMG Guidelines, 2015. Collection method: clinical testing. Allele origin: unknown.

PreventionGenetics, part of Exact Sciences
Classification: Uncertain significance for CACNA1H-related condition. Last evaluated: 2024-03-20. Review status: no assertion criteria provided. Collection method: clinical testing. Allele origin: germline. Not counted in ClinVar's aggregate classification.
Comment: The CACNA1H c.2216G>T variant is predicted to result in the amino acid substitution p.Arg739Leu. To our knowledge, this variant has not been reported in the literature. This variant is reported in 0.0057% of alleles in individuals of Latino descent in gnomAD. At this time, the clinical significance of this variant is uncertain due to the absence of conclusive functional and genetic evidence.